The following is an entry in ClinVar:

NM_001142864.4(PIEZO1):c.718A>G (p.Ile240Val)

Genes: HSALR1 (HSP90AB1 associated lncRNA 1; plus strand), PIEZO1 (piezo type mechanosensitive ion channel component 1 (Er blood group); minus strand). Cytogenetic location: 16q24.3.
Variant type: single nucleotide variant.
Coding change: c.718A>G on transcript NM_001142864.4 (MANE Select); coding-DNA position 718, A replaced by G.
Protein change: p.Ile240Val; replaces isoleucine 240 with valine.
Molecular consequence: missense variant. On other transcripts: non-coding transcript variant (1).
Genome position (GRCh38, 1-based): chr16:88,738,357, T>C on the plus strand (A>G on the coding strand, the complement: PIEZO1 is on the minus strand). VCF-style: chr16-88738357-T-C. GRCh37 (hg19) VCF-style: chr16-88804765-T-C.
Other names: c.718A>G, p.Ile240Val (LRG_1137t1); short protein forms I240V.
Identifiers: ClinVar variation 440065 (VCV000440065.39), dbSNP rs114403731, ClinGen allele CA8233205.

ClinVar aggregate classification (germline): Benign/Likely benign. Review status: criteria provided, multiple submitters, no conflicts (2 of 4 stars). 6 submissions from 6 submitters: Benign (2); Likely benign (4). Last evaluated 2025-11-23.

Allele frequency attached by ClinVar (database versions not stated): gnomAD exomes 0.00034 and 0.00083; ExAC 0.00114; gnomAD 0.00350 and 0.00374; TOPMed 0.00410; 1000 Genomes Project 0.00419; 1000 Genomes Project 30x 0.00422.
gnomAD v4.1: 1,041 of 1,535,636 alleles (0.068%); highest among the groups gnomAD compares: African/African-American, 1.2%; 7 homozygotes.

Submissions (6):

Labcorp Genetics (formerly Invitae), Labcorp
Classification: Benign. Last evaluated: 2025-11-23. Review status: criteria provided, single submitter. Criteria: Invitae Variant Classification Sherloc (09022015). Collection method: clinical testing. Allele origin: germline.

ARUP Laboratories, Molecular Genetics and Genomics, ARUP Laboratories
Classification: Likely benign. Last evaluated: 2025-03-24. Review status: criteria provided, single submitter. Criteria: ARUP Molecular Germline Variant Investigation Process 2024. Collection method: clinical testing. Allele origin: germline.

CeGaT Center for Human Genetics Tuebingen
Classification: Likely benign. Last evaluated: 2024-12-01. Review status: criteria provided, single submitter. Criteria: CeGaT Center For Human Genetics Tuebingen Variant Classification Criteria Version 2. Collection method: clinical testing. Allele origin: germline. Affected: yes. Observed: 1 variant allele.
Comment: PIEZO1: BP4, BS1

Blueprint Genetics
Classification: Likely benign. Last evaluated: 2024-11-13. Review status: criteria provided, single submitter. Criteria: ACMG Guidelines, 2015. Collection method: clinical testing. Allele origin: germline.

Mayo Clinic Laboratories, Mayo Clinic
Classification: Benign. Last evaluated: 2023-05-24. Review status: criteria provided, single submitter. Criteria: ACMG Guidelines, 2015. Collection method: clinical testing. Allele origin: germline. Observed: 17 variant alleles.
Comment: BS2, BP4_strong

Breakthrough Genomics
Classification: Likely benign. Review status: criteria provided, single submitter. Criteria: ACMG Guidelines, 2015. Collection method: not provided. Allele origin: germline. Inheritance: Autosomal recessive inheritance. Affected: yes.